The following is an entry in ClinVar:

ClinVar aggregate classification (germline): Uncertain significance (1 of 4 stars; one submission).

Conditions:
Infantile-onset ascending hereditary spastic paralysis (IAHSP). Also called: Autosomal Recessive Juvenile Amyotrophic Lateral Sclerosis; Infantile-Onset Ascending Hereditary Spastic Paralysis (IAHSP). Identifiers: Orphanet 293168, MedGen C2931441, MONDO:0011797, OMIM 607225. Disease mechanism: loss of function.

Allele frequency attached by ClinVar (database versions not stated): TOPMed 0.00001; gnomAD exomes 0.00002; gnomAD 0.00003; ExAC 0.00005; ESP Exome Variant Server 0.00008; 1000 Genomes Project 0.00040; 1000 Genomes Project 30x 0.00047.
gnomAD v4.1: 37 of 1,614,112 alleles (0.0023%); highest among the groups gnomAD compares: Non-Finnish European, 0.0028%; no homozygotes.

Submission:

Labcorp Genetics (formerly Invitae), Labcorp
Classification: Uncertain significance for Infantile-onset ascending hereditary spastic paralysis. Last evaluated: 2022-02-01. Review status: criteria provided, single submitter. Criteria: Invitae Variant Classification Sherloc (09022015). Collection method: clinical testing. Allele origin: germline.
Comment: This sequence change replaces alanine, which is neutral and non-polar, with glycine, which is neutral and non-polar, at codon 517 of the ALS2 protein (p.Ala517Gly). This variant is present in population databases (rs200950390, gnomAD 0.005%). This missense change has been observed in individual(s) with frontotemporal dementia (PMID: 31405128). Algorithms developed to predict the effect of missense changes on protein structure and function are either unavailable or do not agree on the potential impact of this missense change (SIFT: "Tolerated"; PolyPhen-2: "Possibly Damaging"; Align-GVGD: "Class C0"). In summary, the available evidence is currently insufficient to determine the role of this variant in disease. Therefore, it has been classified as a Variant of Uncertain Significance.

Literature cited by the submitters: PubMed 31405128.

NM_020919.4(ALS2):c.1550C>G (p.Ala517Gly)

Gene: ALS2 (alsin Rho guanine nucleotide exchange factor ALS2; minus strand). Cytogenetic location: 2q33.1.
Variant type: single nucleotide variant.
Coding change: c.1550C>G on transcript NM_020919.4 (MANE Select); coding-DNA position 1550, C replaced by G.
Protein change: p.Ala517Gly; replaces alanine 517 with glycine.
Molecular consequence: missense variant.
Genome position (GRCh38, 1-based): chr2:201,754,593, G>C on the plus strand (C>G on the coding strand, the complement: ALS2 is on the minus strand). VCF-style: chr2-201754593-G-C. GRCh37 (hg19) VCF-style: chr2-202619316-G-C.
Other names: c.1550C>G, p.Ala517Gly (NM_001410975.1); short protein forms A517G.
Identifiers: ClinVar variation 2044122 (VCV002044122.1), dbSNP rs200950390, ClinGen allele CA2058430.